The following is an entry in ClinVar:

NR_199791.1(RNU2-2):n.110dup

Genes: RNU2-2 (RNA, U2 small nuclear 2; minus strand), WDR74 (WD repeat domain 74; minus strand). Cytogenetic location: 11q12.3.
Variant type: Duplication.
Molecular consequence: non-coding transcript variant (on NR_199791.1). On other transcripts: 5 prime UTR variant (1).
Genome position: GRCh38 VCF-style: chr11-62841699-T-TA. GRCh37 (hg19) VCF-style: chr11-62609171-T-TA.
Other names: c.-429dup (NM_001369451.1).
Identifiers: ClinVar variation 4540511 (VCV004540511.1).

ClinVar aggregate classification (germline): Uncertain significance (1 of 4 stars; one submission).

Submission:

Institute for Human Genetics, University Hospital Essen
Classification: Uncertain significance. Last evaluated: 2025-11-27. Review status: criteria provided, single submitter. Criteria: Submitter's publication. Collection method: clinical testing. Allele origin: inherited. Inheritance: Autosomal unknown. Affected: yes. Observed: 1 variant allele, 1 compound heterozygote.
Comment: PM2_supp (criteria rationale detailed in Leitão et al. Nature Genetics 2026)